The following is an entry in ClinVar:

NM_024642.5(GALNT12):c.945T>A (p.Phe315Leu)

Gene: GALNT12 (polypeptide N-acetylgalactosaminyltransferase 12; plus strand). Cytogenetic location: 9q22.33.
Variant type: single nucleotide variant.
Coding change: c.945T>A on transcript NM_024642.5 (MANE Select); coding-DNA position 945, T replaced by A.
Protein change: p.Phe315Leu; replaces phenylalanine 315 with leucine.
Molecular consequence: missense variant.
Genome position (GRCh38, 1-based): chr9:98,835,276, T>A. VCF-style: chr9-98835276-T-A. GRCh37 (hg19) VCF-style: chr9-101597558-T-A.
Other names: short protein forms F315L.
Identifiers: ClinVar variation 4028010 (VCV004028010.1).

ClinVar aggregate classification (germline): Uncertain significance (1 of 4 stars; one submission).

Submission:

Ambry Genetics
Classification: Uncertain significance. Last evaluated: 2025-05-01. Review status: criteria provided, single submitter. Criteria: Ambry Variant Classification Scheme 2023. Collection method: clinical testing. Allele origin: germline.
Comment: The p.F315L variant (also known as c.945T>A), located in coding exon 5 of the GALNT12 gene, results from a T to A substitution at nucleotide position 945. The phenylalanine at codon 315 is replaced by leucine, an amino acid with highly similar properties. This amino acid position is conserved. In addition, this alteration is predicted to be deleterious by in silico analysis. Based on the available evidence, the clinical significance of this variant remains unclear.